The following is an entry in ClinVar:

NM_001183.6(ATP6AP1):c.29T>A (p.Val10Glu)

Gene: ATP6AP1 (ATPase H+ transporting accessory protein 1; plus strand). Cytogenetic location: Xq28.
Variant type: single nucleotide variant.
Coding change: c.29T>A on transcript NM_001183.6 (MANE Select); coding-DNA position 29, T replaced by A.
Protein change: p.Val10Glu; replaces valine 10 with glutamic acid.
Molecular consequence: missense variant.
Genome position (GRCh38, 1-based): chrX:154,428,721, T>A. VCF-style: chrX-154428721-T-A. GRCh37 (hg19) VCF-style: chrX-153657067-T-A.
Other names: c.29T>A (NM_001183.5); short protein forms V10E.
Identifiers: ClinVar variation 3022464 (VCV003022464.4), dbSNP rs782201766, ClinGen allele CA10562496.

ClinVar aggregate classification (germline): Uncertain significance. Review status: criteria provided, single submitter (1 of 4 stars). 2 submissions from 2 submitters: Uncertain significance (1). 1 of the submissions does not count toward it. Last evaluated 2025-10-21.

Conditions:
ATP6AP1-related disorder. Also called: ATP6AP1-related disorders; ATP6AP1-related condition.

Allele frequency attached by ClinVar (database versions not stated): TOPMed 0.00005; gnomAD exomes 0.00006; gnomAD 0.00002.
gnomAD v4.1: 60 of 1,148,654 alleles (0.0052%); highest among the groups gnomAD compares: Non-Finnish European, 0.0067%; no homozygotes.

Submissions (2):

Labcorp Genetics (formerly Invitae), Labcorp
Classification: Uncertain significance. Last evaluated: 2025-10-21. Review status: criteria provided, single submitter. Criteria: Invitae Variant Classification Sherloc (09022015). Collection method: clinical testing. Allele origin: germline.
Comment: This sequence change replaces valine, which is neutral and non-polar, with glutamic acid, which is acidic and polar, at codon 10 of the ATP6AP1 protein (p.Val10Glu). This variant is present in population databases (rs782201766, gnomAD 0.01%). This variant has not been reported in the literature in individuals affected with ATP6AP1-related conditions. ClinVar contains an entry for this variant (Variation ID: 3022464). Experimental studies and prediction algorithms are not available or were not evaluated, and the functional significance of this variant is currently unknown. In summary, the available evidence is currently insufficient to determine the role of this variant in disease. Therefore, it has been classified as a Variant of Uncertain Significance.

PreventionGenetics, part of Exact Sciences
Classification: Uncertain significance for ATP6AP1-related condition. Last evaluated: 2024-06-08. Review status: no assertion criteria provided. Collection method: clinical testing. Allele origin: germline. Not counted in ClinVar's aggregate classification.
Comment: The ATP6AP1 c.29T>A variant is predicted to result in the amino acid substitution p.Val10Glu. To our knowledge, this variant has not been reported in the literature. This variant is reported in 0.0095% of alleles in individuals of European (Non-Finnish) descent in gnomAD. At this time, the clinical significance of this variant is uncertain due to the absence of conclusive functional and genetic evidence.